The following is an entry in ClinVar:

NM_015346.4(ZFYVE26):c.3853G>T (p.Glu1285Ter)

Gene: ZFYVE26 (zinc finger FYVE-type containing 26; minus strand). Cytogenetic location: 14q24.1.
Variant type: single nucleotide variant.
Coding change: c.3853G>T on transcript NM_015346.4 (MANE Select); coding-DNA position 3853, G replaced by T.
Protein change: p.Glu1285Ter; replaces glutamic acid 1285 with a stop codon.
Molecular consequence: nonsense.
Genome position (GRCh38, 1-based): chr14:67,783,299, C>A on the plus strand (G>T on the coding strand, the complement: ZFYVE26 is on the minus strand). VCF-style: chr14-67783299-C-A. GRCh37 (hg19) VCF-style: chr14-68250016-C-A.
Other names: short protein forms E1285*.
Identifiers: ClinVar variation 1455408 (VCV001455408.8), dbSNP rs2140223564, ClinGen allele CA390171347.
Genomic context (GRCh38, chr14:67,783,299, plus strand): 5'-AGGCAGAGGAGGTGAGGGCTGGGAGTGATGAGTCCCTTGGGGAGGAGTAGGGCTTTCTTT[C>A]CAATGTAGGGTTCTCAGTTGTCCTCGGGGAGCTCGGTGTAGAAAGTGGGAGGTCATCCAG-3'

ClinVar aggregate classification (germline): Pathogenic/Likely pathogenic. Review status: criteria provided, multiple submitters, no conflicts (2 of 4 stars). 3 submissions from 3 submitters: Pathogenic (2); Likely pathogenic (1). Last evaluated 2025-12-17.

Conditions:
Hereditary spastic paraplegia 15 (SPG15). Also called: SPASTIC PARAPLEGIA AND RETINAL DEGENERATION; SPASTIC PARAPLEGIA 15, AUTOSOMAL RECESSIVE; KJELLIN SYNDROME. Identifiers: Orphanet 100996, MedGen C1849128, MONDO:0010044, OMIM 270700.
Spastic paraplegia. Identifiers: MedGen C0037772, HP:0001258.

Submissions (3):

Variantyx, Inc.
Classification: Likely pathogenic for Hereditary spastic paraplegia 15. Last evaluated: 2025-12-17. Review status: criteria provided, single submitter. Criteria: Variantyx Assertion Criteria 2022. Collection method: clinical testing. Allele origin: germline. Inheritance: Autosomal recessive inheritance. Affected: no.
Comment: This is a nonsense variant in the ZFYVE26 gene (OMIM: 612012). Pathogenic variants in this gene have been associated with autosomal recessive spastic paraplegia 15. This variant introduces a premature termination codon in exon 21 out of 42 and is expected to result in loss of function, which is a known disease mechanism for ZFYVE26 in this disorder (PVS1) (PMID:19805727). This variant is absent from control populations (PM2). Based on the current evidence, this variant is classified as likely pathogenic for autosomal recessive spastic paraplegia 15.No other variant of clinical significance was identified in the ZFYVE26 gene. A single pathogenic variant in a gene associated with autosomal recessive disease is generally insufficient to cause disease. Therefore, this finding likely represents carrier status.

Myriad Genetics, Inc.
Classification: Pathogenic for Hereditary spastic paraplegia 15. Last evaluated: 2024-05-08. Review status: criteria provided, single submitter. Criteria: Myriad Autosomal Dominant, Autosomal Recessive and X-Linked Classification Criteria (2023). Collection method: clinical testing. Allele origin: unknown.
Comment: NM_015346.3(ZFYVE26):c.3853G>T(E1285*) is expected to be pathogenic in the context of spastic paraplegia type 15. This variant is predicted to lead to an abnormal or absent protein product due to the creation of a premature termination codon in ZFYVE26, a gene where loss-of-function variants are known to be pathogenic. Please note: this variant was assessed in the context of healthy population screening.

Labcorp Genetics (formerly Invitae), Labcorp
Classification: Pathogenic for Spastic paraplegia. Last evaluated: 2021-05-10. Review status: criteria provided, single submitter. Criteria: Invitae Variant Classification Sherloc (09022015). Collection method: clinical testing. Allele origin: germline.
Comment: This variant is not present in population databases (ExAC no frequency). This sequence change creates a premature translational stop signal (p.Glu1285*) in the ZFYVE26 gene. It is expected to result in an absent or disrupted protein product. Loss-of-function variants in ZFYVE26 are known to be pathogenic (PMID: 18394578, 19805727). This variant has not been reported in the literature in individuals with ZFYVE26-related conditions. For these reasons, this variant has been classified as Pathogenic.

Literature cited by the submitters: PubMed 19805727 (cited by Variantyx, Inc. and Labcorp Genetics (formerly Invitae), Labcorp); PubMed 18394578 (cited by Labcorp Genetics (formerly Invitae), Labcorp).